The following is an entry in ClinVar:

ClinVar aggregate classification (germline): Uncertain significance (1 of 4 stars; one submission).

Submission:

Ambry Genetics
Classification: Uncertain significance. Last evaluated: 2024-06-19. Review status: criteria provided, single submitter. Criteria: Ambry Variant Classification Scheme 2023. Collection method: clinical testing. Allele origin: germline.
Comment: The c.2192C>T (p.S731F) alteration is located in exon (coding exon ) of the SH3RF3 gene. This alteration results from a C to T substitution at nucleotide position 2192, causing the serine (S) at amino acid position 731 to be replaced by a phenylalanine (F). Based on insufficient or conflicting evidence, the clinical significance of this alteration remains unclear.

NM_001099289.3(SH3RF3):c.2192C>T (p.Ser731Phe)

Genes: RANBP2 (RAN binding protein 2; plus strand), SH3RF3 (SH3 domain containing ring finger 3; plus strand). Cytogenetic location: 2q13.
Variant type: single nucleotide variant.
Coding change: c.2192C>T on transcript NM_001099289.3 (MANE Select); coding-DNA position 2192, C replaced by T.
Protein change: p.Ser731Phe; replaces serine 731 with phenylalanine.
Molecular consequence: missense variant.
Genome position (GRCh38, 1-based): chr2:109,490,648, C>T. VCF-style: chr2-109490648-C-T. GRCh37 (hg19) VCF-style: chr2-110107104-C-T.
Other names: short protein forms S731F.
Identifiers: ClinVar variation 3318144 (VCV003318144.1).